The following is an entry in ClinVar:

NM_206933.4(USH2A):c.12282T>A (p.Asn4094Lys)

Gene: USH2A (usherin; minus strand). Cytogenetic location: 1q41.
Variant type: single nucleotide variant.
Coding change: c.12282T>A on transcript NM_206933.4 (MANE Select); coding-DNA position 12282, T replaced by A.
Protein change: p.Asn4094Lys; replaces asparagine 4094 with lysine.
Molecular consequence: missense variant.
Genome position (GRCh38, 1-based): chr1:215,680,161, A>T on the plus strand (T>A on the coding strand, the complement: USH2A is on the minus strand). VCF-style: chr1-215680161-A-T. GRCh37 (hg19) VCF-style: chr1-215853503-A-T.
Other names: short protein forms N4094K.
Identifiers: ClinVar variation 2110871 (VCV002110871.6), dbSNP rs2464914333, ClinGen allele CA344815784.

ClinVar aggregate classification (germline): Uncertain significance. Review status: criteria provided, multiple submitters, no conflicts (2 of 4 stars). 3 submissions from 3 submitters: Uncertain significance (3). Last evaluated 2026-08-27.

Conditions:
USH2A-related disorder. Also called: USH2A-related condition; USH2A-related disorders. Identifiers: MedGen CN239332.

Submissions (3):

Myriad Genetics, Inc.
Classification: Uncertain significance for USH2A-related disorder. Last evaluated: 2026-08-27. Review status: criteria provided, single submitter. Criteria: Myriad Autosomal Dominant, Autosomal Recessive and X-Linked Classification Criteria (2023). Collection method: clinical testing. Allele origin: unknown.
Comment: NM_206933.2(USH2A):c.12282T>A(N4094K) is a missense variant classified as a variant of uncertain significance in the context of USH2A-related disorders. N4094K has not been observed in cases with relevant disease. Relevant functional assessments of this variant are not available in the literature. N4094K has not been observed in referenced population frequency databases. In summary, there is insufficient evidence to classify NM_206933.2(USH2A):c.12282T>A(N4094K) as pathogenic or benign. Please note: this variant was assessed in the context of healthy population screening.

Labcorp Genetics (formerly Invitae), Labcorp
Classification: Uncertain significance. Last evaluated: 2023-10-30. Review status: criteria provided, single submitter. Criteria: Invitae Variant Classification Sherloc (09022015). Collection method: clinical testing. Allele origin: germline.
Comment: This sequence change replaces asparagine, which is neutral and polar, with lysine, which is basic and polar, at codon 4094 of the USH2A protein (p.Asn4094Lys). This variant is not present in population databases (gnomAD no frequency). This missense change has been observed in individual(s) with retinitis pigmentosa (PMID: 20507924; Invitae). In at least one individual the data is consistent with being in trans (on the opposite chromosome) from a pathogenic variant. ClinVar contains an entry for this variant (Variation ID: 2110871). Advanced modeling of protein sequence and biophysical properties (such as structural, functional, and spatial information, amino acid conservation, physicochemical variation, residue mobility, and thermodynamic stability) has been performed at Invitae for this missense variant, however the output from this modeling did not meet the statistical confidence thresholds required to predict the impact of this variant on USH2A protein function. In summary, the available evidence is currently insufficient to determine the role of this variant in disease. Therefore, it has been classified as a Variant of Uncertain Significance.

Blueprint Genetics
Classification: Uncertain significance. Last evaluated: 2021-12-09. Review status: criteria provided, single submitter. Criteria: ACMG Guidelines, 2015. Collection method: clinical testing. Allele origin: germline.

Literature cited by the submitters: PubMed 20507924 (cited by Labcorp Genetics (formerly Invitae), Labcorp).